The following is an entry in ClinVar:

NM_001242882.2(NAXD):c.307C>T (p.Pro103Ser)

Gene: NAXD (NAD(P)HX dehydratase; plus strand). Cytogenetic location: 13q34.
Variant type: single nucleotide variant.
Coding change: c.307C>T on transcript NM_001242882.2 (MANE Select); coding-DNA position 307, C replaced by T.
Protein change: p.Pro103Ser; replaces proline 103 with serine.
Molecular consequence: missense variant. On other transcripts: non-coding transcript variant (1), intron variant (1).
Genome position (GRCh38, 1-based): chr13:110,625,253, C>T. VCF-style: chr13-110625253-C-T. GRCh37 (hg19) VCF-style: chr13-111277600-C-T.
Other names: c.361C>T, p.Pro121Ser (NM_001242881.2, NM_018210.4); c.57-2186C>T (NM_001242883.2); short protein forms P103S, P121S.
Identifiers: ClinVar variation 1475253 (VCV001475253.6), dbSNP rs149988657, ClinGen allele CA7051131.

ClinVar aggregate classification (germline): Uncertain significance (1 of 4 stars; one submission).

Allele frequency attached by ClinVar (database versions not stated): ExAC 0.00001; gnomAD exomes 0.00001; ESP Exome Variant Server 0.00023.
gnomAD v4.1: 10 of 1,613,414 alleles (0.00062%); highest among the groups gnomAD compares: Non-Finnish European, 0.00085%; no homozygotes.

Submission:

Labcorp Genetics (formerly Invitae), Labcorp
Classification: Uncertain significance. Last evaluated: 2022-07-11. Review status: criteria provided, single submitter. Criteria: Invitae Variant Classification Sherloc (09022015). Collection method: clinical testing. Allele origin: germline.
Comment: In summary, the available evidence is currently insufficient to determine the role of this variant in disease. Therefore, it has been classified as a Variant of Uncertain Significance. Algorithms developed to predict the effect of missense changes on protein structure and function (SIFT, PolyPhen-2, Align-GVGD) all suggest that this variant is likely to be disruptive. ClinVar contains an entry for this variant (Variation ID: 1475253). This variant has not been reported in the literature in individuals affected with NAXD-related conditions. This variant is present in population databases (rs149988657, gnomAD 0.002%). This sequence change replaces proline, which is neutral and non-polar, with serine, which is neutral and polar, at codon 121 of the NAXD protein (p.Pro121Ser).